The following is an entry in ClinVar:

NM_000059.4(BRCA2):c.9582A>C (p.Pro3194=)

Gene: BRCA2 (BRCA2 DNA repair associated; plus strand). Cytogenetic location: 13q13.1.
Variant type: single nucleotide variant.
Coding change: c.9582A>C on transcript NM_000059.4 (MANE Select); coding-DNA position 9582, A replaced by C.
Protein change: p.Pro3194=; no amino-acid change (proline 3194 retained).
Molecular consequence: synonymous variant.
Genome position (GRCh38, 1-based): chr13:32,396,978, A>C. VCF-style: chr13-32396978-A-C. GRCh37 (hg19) VCF-style: chr13-32971115-A-C.
Identifiers: ClinVar variation 517817 (VCV000517817.10), dbSNP rs1555289784, ClinGen allele CA483271773.

ClinVar aggregate classification (germline): Likely benign. Review status: criteria provided, multiple submitters, no conflicts (2 of 4 stars). 3 submissions from 3 submitters: Likely benign (3). Last evaluated 2024-06-04.

Conditions:
Hereditary breast ovarian cancer syndrome. Also called: Hereditary breast and ovarian cancer syndrome (HBOC); Hereditary breast and ovarian cancer; Hereditary breast and ovarian cancer syndrome; Breast and ovarian cancer; BRCA1- and BRCA2-Associated Hereditary Breast and Ovarian Cancer; Hereditary breast and/or ovarian cancer syndrome. Identifiers: Orphanet 145, MedGen C0677776, MeSH D061325, MONDO:0003582. Disease mechanism: loss of function.
Hereditary cancer-predisposing syndrome. Also called: Tumor predisposition; Hereditary neoplastic syndrome; Neoplastic Syndromes, Hereditary; Hereditary Cancer Syndrome. Identifiers: Orphanet 140162, MedGen C0027672, MeSH D009386, MONDO:0015356.

Submissions (3):

Ambry Genetics
Classification: Likely benign for Hereditary cancer-predisposing syndrome. Last evaluated: 2024-06-04. Review status: criteria provided, single submitter. Criteria: Ambry Variant Classification Scheme 2023. Collection method: clinical testing. Allele origin: germline.

Labcorp Genetics (formerly Invitae), Labcorp
Classification: Likely benign for Hereditary breast ovarian cancer syndrome. Last evaluated: 2023-09-07. Review status: criteria provided, single submitter. Criteria: Invitae Variant Classification Sherloc (09022015). Collection method: clinical testing. Allele origin: germline.

GeneDx
Classification: Likely benign. Last evaluated: 2017-03-16. Review status: criteria provided, single submitter. Criteria: GeneDx Variant Classification (06012015). Collection method: clinical testing. Allele origin: germline. Affected: yes.
Comment: This variant is considered likely benign or benign based on one or more of the following criteria: it is a conservative change, it occurs at a poorly conserved position in the protein, it is predicted to be benign by multiple in silico algorithms, and/or has population frequency not consistent with disease.